The following is an entry in ClinVar:

ClinVar aggregate classification (germline): Likely benign (1 of 4 stars; one submission).

Submission:

CeGaT Center for Human Genetics Tuebingen
Classification: Likely benign. Last evaluated: 2025-03-01. Review status: criteria provided, single submitter. Criteria: CeGaT Center For Human Genetics Tuebingen Variant Classification Criteria Version 2. Collection method: clinical testing. Allele origin: germline. Affected: yes. Observed: 2 variant alleles.
Comment: SPTBN2: BP4, BP7

NM_006946.4(SPTBN2):c.2997C>T (p.Arg999=)

Gene: SPTBN2 (spectrin beta, non-erythrocytic 2; minus strand). Cytogenetic location: 11q13.2.
Variant type: single nucleotide variant.
Coding change: c.2997C>T on transcript NM_006946.4 (MANE Select); coding-DNA position 2997, C replaced by T.
Protein change: p.Arg999=; no amino-acid change (arginine 999 retained).
Molecular consequence: synonymous variant.
Genome position (GRCh38, 1-based): chr11:66,701,102, G>A on the plus strand (C>T on the coding strand, the complement: SPTBN2 is on the minus strand). VCF-style: chr11-66701102-G-A. GRCh37 (hg19) VCF-style: chr11-66468573-G-A.
Other names: c.3018C>T, p.Arg1006= (NM_001411025.1).
Identifiers: ClinVar variation 3778133 (VCV003778133.7).